The following is an entry in ClinVar:

NM_007194.4(CHEK2):c.583A>G (p.Arg195Gly)

Gene: CHEK2 (checkpoint kinase 2; minus strand). Cytogenetic location: 22q12.1.
Variant type: single nucleotide variant.
Coding change: c.583A>G on transcript NM_007194.4 (MANE Select); coding-DNA position 583, A replaced by G.
Protein change: p.Arg195Gly; replaces arginine 195 with glycine.
Molecular consequence: missense variant. On other transcripts: 5 prime UTR variant (2), intron variant (1).
Genome position (GRCh38, 1-based): chr22:28,724,986, T>C on the plus strand (A>G on the coding strand, the complement: CHEK2 is on the minus strand). VCF-style: chr22-28724986-T-C. GRCh37 (hg19) VCF-style: chr22-29120974-T-C.
Other names: c.712A>G, p.Arg238Gly (NM_001005735.3, NM_001438294.1); c.-195A>G (NM_001257387.3); c.-81A>G (NM_001437942.1); c.676A>G, p.Arg226Gly (NM_001438293.1, NM_001438295.1); c.583A>G, p.Arg195Gly (NM_145862.3); c.445-63A>G (NM_001349956.3); short protein forms R195G, R238G, R226G.
Identifiers: ClinVar variation 481094 (VCV000481094.7), dbSNP rs1555926729, ClinGen allele CA411106985.

ClinVar aggregate classification (germline): Uncertain significance. Review status: criteria provided, multiple submitters, no conflicts (2 of 4 stars). 2 submissions from 2 submitters: Uncertain significance (2). Last evaluated 2026-01-30.

Conditions:
Hereditary cancer-predisposing syndrome. Also called: Hereditary Cancer Syndrome; Neoplastic Syndromes, Hereditary; Tumor predisposition; Hereditary neoplastic syndrome. Identifiers: Orphanet 140162, MedGen C0027672, MeSH D009386, MONDO:0015356.

Allele frequency attached by ClinVar (database versions not stated): gnomAD exomes below 0.00001.
gnomAD v4.1: 1 of 1,614,136 alleles (0.000062%); highest among the groups gnomAD compares: South Asian, 0.0011%; no homozygotes.

Submissions (2):

Women's Health and Genetics/Laboratory Corporation of America, LabCorp
Classification: Uncertain significance. Last evaluated: 2026-01-30. Review status: criteria provided, single submitter. Criteria: LabCorp Variant Classification Summary - May 2015. Collection method: clinical testing. Allele origin: germline.

Ambry Genetics
Classification: Uncertain significance for Hereditary cancer-predisposing syndrome. Last evaluated: 2024-12-27. Review status: criteria provided, single submitter. Criteria: Ambry Variant Classification Scheme 2023. Collection method: clinical testing. Allele origin: germline.
Comment: The p.R195G variant (also known as c.583A>G), located in coding exon 3 of the CHEK2 gene, results from an A to G substitution at nucleotide position 583. The arginine at codon 195 is replaced by glycine, an amino acid with dissimilar properties. This amino acid position is poorly conserved in available vertebrate species. In addition, this alteration is predicted to be tolerated by in silico analysis. Since supporting evidence is limited at this time, the clinical significance of this alteration remains unclear.